The following is an entry in ClinVar:

ClinVar aggregate classification (germline): Uncertain significance. Review status: criteria provided, multiple submitters, no conflicts (2 of 4 stars). 2 submissions from 2 submitters: Uncertain significance (2). Last evaluated 2023-10-17.

Conditions:
Autosomal recessive limb-girdle muscular dystrophy type 2Q (LGMDR17). Also called: MUSCULAR DYSTROPHY, LIMB-GIRDLE, AUTOSOMAL RECESSIVE 17. Identifiers: Orphanet 254361, MedGen C3150989, MONDO:0013390, OMIM 613723.
Epidermolysis bullosa simplex 5C, with pyloric atresia (EBS5C). Also called: PLEC-Related Epidermolysis Bullosa with Pyloric Atresia; Epidermolysis bullosa simplex with pyloric atresia; PLEC1-Related Epidermolysis Bullosa with Pyloric Atresia. Identifiers: Orphanet 158684, MedGen C2677349, MONDO:0012807, OMIM 612138.
Epidermolysis bullosa simplex 5B, with muscular dystrophy (EBS5B). Also called: Epidermolysis bullosa simplex with muscular dystrophy; EPIDERMOLYSIS BULLOSA SIMPLEX AND LIMB-GIRDLE MUSCULAR DYSTROPHY. Identifiers: Orphanet 257, MedGen C2931072, MONDO:0009181, OMIM 226670.
Epidermolysis bullosa simplex, Ogna type (EBS5A). Also called: Pidermolysis bullosa simplex 5A, Ogna type; EPIDERMOLYSIS BULLOSA SIMPLEX 5A, OGNA TYPE. Identifiers: Orphanet 79401, MedGen C0432317, MONDO:0007555, OMIM 131950.
Epidermolysis bullosa simplex with nail dystrophy (EBS5D). Identifiers: MedGen C4225309, MONDO:0014661, OMIM 616487.
Inborn genetic diseases. Identifiers: MedGen C0950123, MeSH D030342.

Allele frequency attached by ClinVar (database versions not stated): gnomAD 0.00001.
gnomAD v4.1: 27 of 1,594,796 alleles (0.0017%); highest among the groups gnomAD compares: Non-Finnish European, 0.0023%; no homozygotes.

Submissions (2):

Labcorp Genetics (formerly Invitae), Labcorp
Classification: Uncertain significance for Autosomal recessive limb-girdle muscular dystrophy type 2Q; Epidermolysis bullosa simplex, Ogna type; Epidermolysis bullosa simplex with nail dystrophy; Epidermolysis bullosa simplex 5C, with pyloric atresia; Epidermolysis bullosa simplex 5B, with muscular dystrophy. Last evaluated: 2023-10-17. Review status: criteria provided, single submitter. Criteria: Invitae Variant Classification Sherloc (09022015). Collection method: clinical testing. Allele origin: germline.
Comment: This sequence change replaces threonine, which is neutral and polar, with asparagine, which is neutral and polar, at codon 1491 of the PLEC protein (p.Thr1491Asn). This variant is present in population databases (no rsID available, gnomAD 0.002%). This variant has not been reported in the literature in individuals affected with PLEC-related conditions. ClinVar contains an entry for this variant (Variation ID: 2475767). Advanced modeling of protein sequence and biophysical properties (such as structural, functional, and spatial information, amino acid conservation, physicochemical variation, residue mobility, and thermodynamic stability) performed at Invitae indicates that this missense variant is not expected to disrupt PLEC protein function. In summary, the available evidence is currently insufficient to determine the role of this variant in disease. Therefore, it has been classified as a Variant of Uncertain Significance.

Ambry Genetics
Classification: Uncertain significance for Inborn genetic diseases. Last evaluated: 2023-01-11. Review status: criteria provided, single submitter. Criteria: Ambry Variant Classification Scheme 2023. Collection method: clinical testing. Allele origin: germline.

NM_201384.3(PLEC):c.4391C>A (p.Thr1464Asn)

Gene: PLEC (plectin; minus strand). Cytogenetic location: 8q24.3.
Variant type: single nucleotide variant.
Coding change: c.4391C>A on transcript NM_201384.3 (MANE Select); coding-DNA position 4391, C replaced by A.
Protein change: p.Thr1464Asn; replaces threonine 1464 with asparagine.
Molecular consequence: missense variant. On other transcripts: intron variant (1).
Genome position (GRCh38, 1-based): chr8:143,925,538, G>T on the plus strand (C>A on the coding strand, the complement: PLEC is on the minus strand). VCF-style: chr8-143925538-G-T. GRCh37 (hg19) VCF-style: chr8-144999706-G-T.
Other names: c.4472C>A, p.Thr1491Asn (NM_000445.5); c.4349C>A, p.Thr1450Asn (NM_201378.4); c.4325C>A, p.Thr1442Asn (NM_201379.3); c.4802C>A, p.Thr1601Asn (NM_201380.4); c.4295C>A, p.Thr1432Asn (NM_201381.3); c.4391C>A, p.Thr1464Asn (NM_201382.4); c.4403C>A, p.Thr1468Asn (NM_201383.3); c.4125+1246C>A (NM_001410941.1); short protein forms T1450N, T1468N, T1491N, T1601N, T1432N, T1442N, T1464N.
Identifiers: ClinVar variation 2475767 (VCV002475767.5), dbSNP rs1554703080, ClinGen allele CA372557423.